The following is an entry in ClinVar:

GRCh37/hg19 22q13.33(chr22:51121453-51197838)x1

Genes: ACR (acrosin; plus strand), SHANK3 (SH3 and multiple ankyrin repeat domains 3; plus strand). Cytogenetic location: 22q13.33.
Variant type: copy number loss.
Change: copy number 1 (one copy instead of two) of chr22:51,121,453-51,197,838 (76.4 kb, GRCh37 coordinates, 1-based), cytogenetic band 22q13.33.
Identifiers: ClinVar variation 4683006 (VCV004683006.1).

ClinVar aggregate classification (germline): Pathogenic (1 of 4 stars; one submission).

Submission:

Quest Diagnostics Nichols Institute San Juan Capistrano
Classification: Pathogenic. Last evaluated: 2025-05-20. Review status: criteria provided, single submitter. Criteria: ACMG/ClinGen CNV Guidelines, 2019. Collection method: clinical testing. Allele origin: unknown.
Comment: This deletion interval involves several exons of the 5' portion of SHANK3 gene (606230) and is expected to cause Phelan-McDermid syndrome (OMIM 606232). Haploinsufficiency of the SHANK3 gene has been shown to be responsible for the majority of the phenotype (Phelan 2018, Sarasua 2014, Durand 2007, Dhar 2010, Bongalia 2011). Thus, this CNV is classified as pathogenic. References: Phelan et al., GeneReviews. [updated 2018 Jun 7]. PMID: 20301377; Sarasua et al., Genet Med. 2014 Apr;16(4):318-28., PMID: 24136618; Durand, et al., Nature Genet. 39: 25-27, 2007. PMID: 17173049; Dhar, S.U. et al., Am J Med Genet A. 2010 Mar; 152A(3):573-81. PMID: 20186804;Bonaglia et al., PLoS Genet. 2011 Jul;7(7):e1002173. PMID: 21779178